The following is an entry in ClinVar:

NM_003238.6(TGFB2):c.656_662del (p.Gly219fs)

Gene: TGFB2 (transforming growth factor beta 2; plus strand). Cytogenetic location: 1q41.
Variant type: Deletion.
Coding change: c.656_662del on transcript NM_003238.6 (MANE Select); coding-DNA positions 656 to 662, 7 bases deleted (GATTTAA; older notation c.656_662delGATTTAA).
Protein change: p.Gly219fs; shifts the reading frame from glycine 219.
Molecular consequence: frameshift variant. On other transcripts: non-coding transcript variant (2).
Genome position (GRCh38, 1-based): chr1:218,434,350-218,434,356, GATTTAA deleted. VCF-style (leftmost placement, unchanged base first): chr1-218434349-GGATTTAA-G. GRCh37 (hg19) VCF-style: chr1-218607691-GGATTTAA-G.
Other names: c.740_746del, p.Gly247fs (NM_001135599.4); short protein forms G247fs, G219fs.
Identifiers: ClinVar variation 4724975 (VCV004724975.1).
Genomic context (GRCh38, chr1:218,434,349, plus strand): 5'-AGGGTATAGACACACATACAAATGACCTCCTTGACTTAATGTTTTCCAGACAGGAACCTG[GGATTTAA>G]AATAAGCTTACACTGTCCCTGCTGCACTTTTGTACCATCTAATAATTACATCATCCCAAA-3'

ClinVar aggregate classification (germline): Pathogenic (1 of 4 stars; one submission).

Conditions:
Loeys-Dietz syndrome 4 (LDS4). Also called: TGFB2-Related Loeys-Dietz Syndrome; ANEURYSM, AORTIC AND CEREBRAL, WITH ARTERIAL TORTUOSITY AND SKELETAL MANIFESTATIONS. Identifiers: MedGen C3553762, MONDO:0013897, OMIM 614816.

Submission:

Labcorp Genetics (formerly Invitae), Labcorp
Classification: Pathogenic for Loeys-Dietz syndrome 4. Last evaluated: 2025-08-07. Review status: criteria provided, single submitter. Criteria: Invitae Variant Classification Sherloc (09022015). Collection method: clinical testing. Allele origin: germline.
Comment: This sequence change creates a premature translational stop signal (p.Gly219Glufs*2) in the TGFB2 gene. It is expected to result in an absent or disrupted protein product. Loss-of-function variants in TGFB2 are known to be pathogenic (PMID: 22772368, 22772371, 30739908). This variant is not present in population databases (gnomAD no frequency). This variant has not been reported in the literature in individuals affected with TGFB2-related conditions. For these reasons, this variant has been classified as Pathogenic.

Literature cited by the submitters: PubMed 22772368; PubMed 22772371; PubMed 30739908.